The following is an entry in ClinVar:

ClinVar aggregate classification (germline): Uncertain significance. Review status: criteria provided, multiple submitters, no conflicts (2 of 4 stars). 2 submissions from 2 submitters: Uncertain significance (2). Last evaluated 2025-09-11.

Conditions:
Familial thoracic aortic aneurysm and aortic dissection (TAAD). Also called: Thoracic aortic aneurysms and dissections. Identifiers: Orphanet 91387, MedGen C4707243, MONDO:0019625.
Ehlers-Danlos syndrome, type 4 (EDSVASC). Also called: Ehlers-Danlos syndrome vascular type; Ehlers Danlos syndrome, ecchymotic type; Ehlers Danlos syndrome, arterial type; Ehlers Danlos syndrome, Sack-Barabas type; Ehlers-Danlos Syndrome Type IV. Identifiers: Orphanet 286, MedGen C0268338, MONDO:0017314, OMIM 130050.

Submissions (2):

Color Diagnostics, LLC DBA Color Health
Classification: Uncertain significance for Familial thoracic aortic aneurysm and aortic dissection. Last evaluated: 2025-09-11. Review status: criteria provided, single submitter. Criteria: ACMG Guidelines, 2015. Collection method: clinical testing. Allele origin: germline.
Comment: This variant causes a T to C nucleotide substitution at the +6 position of intron 25 of the COL3A1 gene. To our knowledge, functional studies have not been reported for this variant. This variant has not been reported in individuals affected with COL3A1-related disorders in the literature. This variant has not been identified in the general population by the Genome Aggregation Database (gnomAD). The available evidence is insufficient to determine the role of this variant in disease conclusively. Therefore, this variant is classified as a Variant of Uncertain Significance.

Labcorp Genetics (formerly Invitae), Labcorp
Classification: Uncertain significance for Ehlers-Danlos syndrome, type 4. Last evaluated: 2021-09-01. Review status: criteria provided, single submitter. Criteria: Invitae Variant Classification Sherloc (09022015). Collection method: clinical testing. Allele origin: germline.
Comment: This sequence change falls in intron 25 of the COL3A1 gene. It does not directly change the encoded amino acid sequence of the COL3A1 protein. It affects a nucleotide within the consensus splice site of the intron. This variant is not present in population databases (ExAC no frequency). This variant has not been reported in the literature in individuals affected with COL3A1-related conditions. Variants that disrupt the consensus splice site are a relatively common cause of aberrant splicing (PMID: 17576681, 9536098). Algorithms developed to predict the effect of sequence changes on RNA splicing suggest that this variant is not likely to affect RNA splicing. In summary, the available evidence is currently insufficient to determine the role of this variant in disease. Therefore, it has been classified as a Variant of Uncertain Significance.

Literature cited by the submitters: PubMed 17576681 (cited by Labcorp Genetics (formerly Invitae), Labcorp); PubMed 9536098 (cited by Labcorp Genetics (formerly Invitae), Labcorp).

NM_000090.4(COL3A1):c.1815+6T>C

Gene: COL3A1 (collagen type III alpha 1 chain; plus strand). Cytogenetic location: 2q32.2.
Variant type: single nucleotide variant.
Coding change: c.1815+6T>C on transcript NM_000090.4 (MANE Select); 6 bases into the intron after coding-DNA position 1815, T replaced by C.
Molecular consequence: intron variant.
Genome position (GRCh38, 1-based): chr2:188,997,224, T>C. VCF-style: chr2-188997224-T-C. GRCh37 (hg19) VCF-style: chr2-189861950-T-C.
Identifiers: ClinVar variation 998958 (VCV000998958.7), dbSNP rs1688347657, ClinGen allele CA1315399939.